The following is an entry in ClinVar:

ClinVar aggregate classification (germline): Uncertain significance. Review status: criteria provided, multiple submitters, no conflicts (2 of 4 stars). 5 submissions from 5 submitters: Uncertain significance (5). Last evaluated 2026-01-17.

Conditions:
Hereditary cancer-predisposing syndrome. Also called: Tumor predisposition; Hereditary neoplastic syndrome; Hereditary Cancer Syndrome; Neoplastic Syndromes, Hereditary. Identifiers: Orphanet 140162, MedGen C0027672, MeSH D009386, MONDO:0015356.

Allele frequency attached by ClinVar (database versions not stated): TOPMed below 0.00001; gnomAD 0.00001 and 0.00002; gnomAD exomes 0.00001 and 0.00003; ExAC 0.00002.
gnomAD v4.1: 48 of 1,613,496 alleles (0.003%); highest among the groups gnomAD compares: African/African-American, 0.0053%; no homozygotes.

Submissions (5):

Labcorp Genetics (formerly Invitae), Labcorp
Classification: Uncertain significance. Last evaluated: 2026-01-17. Review status: criteria provided, single submitter. Criteria: Invitae Variant Classification Sherloc (09022015). Collection method: clinical testing. Allele origin: germline.
Comment: This sequence change replaces arginine, which is basic and polar, with cysteine, which is neutral and slightly polar, at codon 825 of the POLE protein (p.Arg825Cys). This variant is present in population databases (rs200283666, gnomAD 0.004%). This variant has not been reported in the literature in individuals affected with POLE-related conditions. ClinVar contains an entry for this variant (Variation ID: 473532). Invitae Evidence Modeling of protein sequence and biophysical properties (such as structural, functional, and spatial information, amino acid conservation, physicochemical variation, residue mobility, and thermodynamic stability) indicates that this missense variant is expected to disrupt POLE protein function with a positive predictive value of 80%. In summary, the available evidence is currently insufficient to determine the role of this variant in disease. Therefore, it has been classified as a Variant of Uncertain Significance.

Center for Genomic Medicine, Rigshospitalet, Copenhagen University Hospital
Classification: Uncertain significance. Last evaluated: 2025-12-29. Review status: criteria provided, single submitter. Criteria: ACMG Guidelines, 2015. Collection method: clinical testing. Allele origin: germline.

Ambry Genetics
Classification: Uncertain significance for Hereditary cancer-predisposing syndrome. Last evaluated: 2024-12-09. Review status: criteria provided, single submitter. Criteria: Ambry Variant Classification Scheme 2023. Collection method: clinical testing. Allele origin: germline.
Comment: The p.R825C variant (also known as c.2473C>T), located in coding exon 22 of the POLE gene, results from a C to T substitution at nucleotide position 2473. The arginine at codon 825 is replaced by cysteine, an amino acid with highly dissimilar properties. This amino acid position is highly conserved in available vertebrate species. In addition, this alteration is predicted to be deleterious by in silico analysis. Based on the available evidence, the clinical significance of this variant remains unclear.

GeneDx
Classification: Uncertain significance. Last evaluated: 2023-11-21. Review status: criteria provided, single submitter. Criteria: GeneDx Variant Classification Process June 2021. Collection method: clinical testing. Allele origin: germline. Affected: yes.
Comment: Not observed at significant frequency in large population cohorts (gnomAD); In silico analysis supports that this missense variant has a deleterious effect on protein structure/function; Has not been previously published as pathogenic or benign to our knowledge; This variant is associated with the following publications: (PMID: 20951805)

Blueprint Genetics
Classification: Uncertain significance. Last evaluated: 2023-01-05. Review status: criteria provided, single submitter. Criteria: ACMG Guidelines, 2015. Collection method: clinical testing. Allele origin: germline.

NM_006231.4(POLE):c.2473C>T (p.Arg825Cys)

Gene: POLE (DNA polymerase epsilon, catalytic subunit; minus strand). Cytogenetic location: 12q24.33.
Variant type: single nucleotide variant.
Coding change: c.2473C>T on transcript NM_006231.4 (MANE Select); coding-DNA position 2473, C replaced by T.
Protein change: p.Arg825Cys; replaces arginine 825 with cysteine.
Molecular consequence: missense variant.
Genome position (GRCh38, 1-based): chr12:132,664,458, G>A on the plus strand (C>T on the coding strand, the complement: POLE is on the minus strand). VCF-style: chr12-132664458-G-A. GRCh37 (hg19) VCF-style: chr12-133241044-G-A.
Other names: short protein forms R825C.
Identifiers: ClinVar variation 473532 (VCV000473532.17), dbSNP rs200283666, ClinGen allele CA6893530.
Genomic context (GRCh38, chr12:132,664,458, plus strand): 5'-GGGTGATGATGTTGGCCCCTGTGAAGCAGACGATGCCAGCCATCTCCATGGAGTACCAGC[G>A]AGCCCTGAGAGGACACCACAAACTGGTGGGTGGGGCTGGCATGGCTCCTCCAGGGGGTAT-3'
Protein context (NP_006222.2, residues 815-835): FYGYVMRKGA[Arg825Cys]WYSMEMAGIV